The following is an entry in ClinVar:

NM_032608.7(MYO18B):c.423T>C (p.Thr141=)

Gene: MYO18B (myosin XVIIIB; plus strand). Cytogenetic location: 22q12.1.
Variant type: single nucleotide variant.
Coding change: c.423T>C on transcript NM_032608.7 (MANE Select); coding-DNA position 423, T replaced by C.
Protein change: p.Thr141=; no amino-acid change (threonine 141 retained).
Molecular consequence: synonymous variant.
Genome position (GRCh38, 1-based): chr22:25,768,339, T>C. VCF-style: chr22-25768339-T-C. GRCh37 (hg19) VCF-style: chr22-26164306-T-C.
Other names: c.423T>C, p.Thr141= (NM_001318245.2); c.423T>C (NM_032608.6).
Identifiers: ClinVar variation 1582518 (VCV001582518.10), dbSNP rs375885391, ClinGen allele CA10159576.

ClinVar aggregate classification (germline): Likely benign. Review status: criteria provided, multiple submitters, no conflicts (2 of 4 stars). 3 submissions from 3 submitters: Likely benign (3). Last evaluated 2025-12-20.

Conditions:
MYO18B-related disorder. Also called: MYO18B-related condition.

Allele frequency attached by ClinVar (database versions not stated): gnomAD 0.00038 and 0.00039; ESP Exome Variant Server 0.00040; TOPMed 0.00043; 1000 Genomes Project 0.00120; 1000 Genomes Project 30x 0.00125.
gnomAD v4.1: 134 of 1,613,720 alleles (0.0083%); highest among the groups gnomAD compares: African/African-American, 0.15%; no homozygotes.

Submissions (3):

Labcorp Genetics (formerly Invitae), Labcorp
Classification: Likely benign. Last evaluated: 2025-12-20. Review status: criteria provided, single submitter. Criteria: Invitae Variant Classification Sherloc (09022015). Collection method: clinical testing. Allele origin: germline.

PreventionGenetics, part of Exact Sciences
Classification: Likely benign for MYO18B-related condition. Last evaluated: 2024-11-06. Review status: criteria provided, single submitter. Criteria: ACMG Guidelines, 2015. Collection method: clinical testing. Allele origin: germline.
Comment: This variant is classified as likely benign based on ACMG/AMP sequence variant interpretation guidelines (Richards et al. 2015 PMID: 25741868, with internal and published modifications).

Blueprint Genetics
Classification: Likely benign. Last evaluated: 2023-10-08. Review status: criteria provided, single submitter. Criteria: ACMG Guidelines, 2015. Collection method: clinical testing. Allele origin: germline.